The following is an entry in ClinVar:

NM_000944.5(PPP3CA):c.543C>T (p.Ala181=)

Gene: PPP3CA (protein phosphatase 3 catalytic subunit alpha; minus strand). Cytogenetic location: 4q24.
Variant type: single nucleotide variant.
Coding change: c.543C>T on transcript NM_000944.5 (MANE Select); coding-DNA position 543, C replaced by T.
Protein change: p.Ala181=; no amino-acid change (alanine 181 retained).
Molecular consequence: synonymous variant.
Genome position (GRCh38, 1-based): chr4:101,098,466, G>A on the plus strand (C>T on the coding strand, the complement: PPP3CA is on the minus strand). VCF-style: chr4-101098466-G-A. GRCh37 (hg19) VCF-style: chr4-102019623-G-A.
Other names: c.543C>T, p.Ala181= (NM_001130691.2, NM_001130692.2).
Identifiers: ClinVar variation 2185886 (VCV002185886.27), dbSNP rs766502610, ClinGen allele CA3024462.

ClinVar aggregate classification (germline): Likely benign. Review status: criteria provided, multiple submitters, no conflicts (2 of 4 stars). 2 submissions from 2 submitters: Likely benign (2). Last evaluated 2025-07-09.

Allele frequency attached by ClinVar (database versions not stated): gnomAD 0.00001; TOPMed 0.00001; ExAC 0.00003.
gnomAD v4.1: 30 of 1,611,906 alleles (0.0019%); highest among the groups gnomAD compares: Non-Finnish European, 0.0025%; no homozygotes.

Submissions (2):

Labcorp Genetics (formerly Invitae), Labcorp
Classification: Likely benign. Last evaluated: 2025-07-09. Review status: criteria provided, single submitter. Criteria: Invitae Variant Classification Sherloc (09022015). Collection method: clinical testing. Allele origin: germline.

CeGaT Center for Human Genetics Tuebingen
Classification: Likely benign. Last evaluated: 2023-11-01. Review status: criteria provided, single submitter. Criteria: CeGaT Center For Human Genetics Tuebingen Variant Classification Criteria Version 2. Collection method: clinical testing. Allele origin: germline. Affected: yes. Observed: 1 variant allele.
Comment: PPP3CA: BP4, BP7